The following is an entry in ClinVar:

ClinVar aggregate classification (germline): Conflicting classifications of pathogenicity. Review status: criteria provided, conflicting classifications (1 of 4 stars). 3 submissions from 3 submitters: Uncertain significance (2); Likely benign (1). Last evaluated 2025-05-07.

Conditions:
Cardiovascular phenotype. Identifiers: MedGen CN230736.
Arrhythmogenic cardiomyopathy with wooly hair and keratoderma. Also called: PALMOPLANTAR KERATODERMA WITH LEFT VENTRICULAR CARDIOMYOPATHY AND WOOLLY HAIR; Carvajal syndrome; Dilated cardiomyopathy with woolly hair and keratoderma; Arrhythmogenic cardiomyopathy with woolly hair and keratoderma. Identifiers: Orphanet 65282, MedGen C1854063, MONDO:0011581, OMIM 605676.
Arrhythmogenic right ventricular dysplasia 8 (ARVD8). Also called: ARRHYTHMOGENIC RIGHT VENTRICULAR DYSPLASIA, FAMILIAL, 8; ARRHYTHMOGENIC RIGHT VENTRICULAR CARDIOMYOPATHY 8; Arrhythmogenic Right Ventricular Dysplasia/Cardiomyopathy 8. Identifiers: MedGen C1843896, MONDO:0011831, OMIM 607450.
Cardiomyopathy (CMYO). Also called: Cardiomyopathies. Identifiers: Orphanet 167848, MedGen C0878544, MONDO:0004994, HP:0001638. Inheritance: Various modes of inheritance.

Allele frequency attached by ClinVar (database versions not stated): gnomAD 0.00001; gnomAD exomes 0.00001; ExAC 0.00002; 1000 Genomes Project 30x 0.00016; 1000 Genomes Project 0.00020.
gnomAD v4.1: 11 of 1,614,166 alleles (0.00068%); highest among the groups gnomAD compares: South Asian, 0.0077%; no homozygotes.

Submissions (3):

Labcorp Genetics (formerly Invitae), Labcorp
Classification: Likely benign for Arrhythmogenic cardiomyopathy with wooly hair and keratoderma; Arrhythmogenic right ventricular dysplasia 8. Last evaluated: 2025-05-07. Review status: criteria provided, single submitter. Criteria: Invitae Variant Classification Sherloc (09022015). Collection method: clinical testing. Allele origin: germline.

Color Diagnostics, LLC DBA Color Health
Classification: Uncertain significance for Cardiomyopathy. Last evaluated: 2023-12-05. Review status: criteria provided, single submitter. Criteria: ACMG Guidelines, 2015. Collection method: clinical testing. Allele origin: germline.
Comment: This missense variant replaces glutamic acid with glutamine at codon 2626 of the DSP protein. Computational prediction tools and conservation analyses suggest that this variant may not impact the protein function. Computational splicing tools suggest that this variant may not impact RNA splicing. To our knowledge, functional assays have not been performed for this variant nor has this variant been reported in individuals affected with cardiovascular disorders in the literature. This variant has been identified in 2/250576 chromosomes in the general population by the Genome Aggregation Database (gnomAD). Available evidence is insufficient to determine the role of this variant in disease conclusively. Therefore, this variant is classified as a Variant of Uncertain Significance.

Ambry Genetics
Classification: Uncertain significance for Cardiovascular phenotype. Last evaluated: 2022-11-14. Review status: criteria provided, single submitter. Criteria: Ambry Variant Classification Scheme 2023. Collection method: clinical testing. Allele origin: germline.
Comment: The p.E2626Q variant (also known as c.7876G>C), located in coding exon 24 of the DSP gene, results from a G to C substitution at nucleotide position 7876. The glutamic acid at codon 2626 is replaced by glutamine, an amino acid with highly similar properties. This amino acid position is conserved. In addition, the in silico prediction for this alteration is inconclusive. Since supporting evidence is limited at this time, the clinical significance of this alteration remains unclear.

NM_004415.4(DSP):c.7876G>C (p.Glu2626Gln)

Gene: DSP (desmoplakin; plus strand). Cytogenetic location: 6p24.3.
Variant type: single nucleotide variant.
Coding change: c.7876G>C on transcript NM_004415.4 (MANE Select); coding-DNA position 7876, G replaced by C.
Protein change: p.Glu2626Gln; replaces glutamic acid 2626 with glutamine.
Molecular consequence: missense variant.
Genome position (GRCh38, 1-based): chr6:7,585,138, G>C. VCF-style: chr6-7585138-G-C. GRCh37 (hg19) VCF-style: chr6-7585371-G-C.
Other names: c.7876G>C (LRG_423t1); c.6079G>C, p.Glu2027Gln (NM_001008844.3); c.6547G>C, p.Glu2183Gln (NM_001319034.2); short protein forms E2626Q, E2027Q, E2183Q.
Identifiers: ClinVar variation 628367 (VCV000628367.13), dbSNP rs144821643, ClinGen allele CA051049.